The following is an entry in ClinVar:

NM_001010892.3(RSPH4A):c.1111G>A (p.Val371Met)

Gene: RSPH4A (radial spoke head component 4A; plus strand). Cytogenetic location: 6q22.1.
Variant type: single nucleotide variant.
Coding change: c.1111G>A on transcript NM_001010892.3 (MANE Select); coding-DNA position 1111, G replaced by A.
Protein change: p.Val371Met; replaces valine 371 with methionine.
Molecular consequence: missense variant.
Genome position (GRCh38, 1-based): chr6:116,627,818, G>A. VCF-style: chr6-116627818-G-A. GRCh37 (hg19) VCF-style: chr6-116948981-G-A.
Other names: c.1111G>A, p.Val371Met (NM_001161664.2); short protein forms V371M.
Identifiers: ClinVar variation 651381 (VCV000651381.11), dbSNP rs1379993014, ClinGen allele CA365403862.

ClinVar aggregate classification (germline): Uncertain significance. Review status: criteria provided, multiple submitters, no conflicts (2 of 4 stars). 2 submissions from 2 submitters: Uncertain significance (2). Last evaluated 2021-11-30.

Conditions:
Primary ciliary dyskinesia 11. Also called: CILIARY DYSKINESIA, PRIMARY, 11, WITHOUT SITUS INVERSUS. Identifiers: Orphanet 244, MedGen C2675229, MONDO:0012978, OMIM 612649.
Primary ciliary dyskinesia. Also called: Ciliary dyskinesia. Identifiers: Orphanet 244, MedGen C0008780, MONDO:0016575, HP:0012265.

Allele frequency attached by ClinVar (database versions not stated): gnomAD exomes below 0.00001; TOPMed below 0.00001; gnomAD 0.00001.
gnomAD v4.1: 6 of 1,614,068 alleles (0.00037%); highest among the groups gnomAD compares: Non-Finnish European, 0.00051%; no homozygotes.

Submissions (2):

Labcorp Genetics (formerly Invitae), Labcorp
Classification: Uncertain significance for Primary ciliary dyskinesia. Last evaluated: 2021-11-30. Review status: criteria provided, single submitter. Criteria: Invitae Variant Classification Sherloc (09022015). Collection method: clinical testing. Allele origin: germline.
Comment: This sequence change replaces valine, which is neutral and non-polar, with methionine, which is neutral and non-polar, at codon 371 of the RSPH4A protein (p.Val371Met). This variant is not present in population databases (gnomAD no frequency). This variant has not been reported in the literature in individuals affected with RSPH4A-related conditions. ClinVar contains an entry for this variant (Variation ID: 651381). Algorithms developed to predict the effect of missense changes on protein structure and function are either unavailable or do not agree on the potential impact of this missense change (SIFT: "Deleterious"; PolyPhen-2: "Probably Damaging"; Align-GVGD: "Class C0"). In summary, the available evidence is currently insufficient to determine the role of this variant in disease. Therefore, it has been classified as a Variant of Uncertain Significance.

Illumina Laboratory Services, Illumina
Classification: Uncertain significance for Primary ciliary dyskinesia 11. Last evaluated: 2018-01-15. Review status: criteria provided, single submitter. Criteria: ICSL Variant Classification Criteria 13 December 2019. Collection method: clinical testing. Allele origin: germline.